The following is an entry in ClinVar:

ClinVar aggregate classification (germline): Pathogenic (1 of 4 stars; one submission).

Conditions:
Cerebral cavernous malformation (CCM). Also called: Cerebral cavernous hemangioma (type); Cavernous Hemangioma of Brain; CAVERNOUS ANGIOMA, FAMILIAL; CAVERNOUS ANGIOMATOUS MALFORMATIONS; CEREBRAL CAPILLARY MALFORMATIONS; Cerebral cavernous malformations. Identifiers: Orphanet 221061, MedGen C2919945, MONDO:0000820, OMIM 116860, HP:0033522.

Submission:

Labcorp Genetics (formerly Invitae), Labcorp
Classification: Pathogenic for Cerebral cavernous malformation. Last evaluated: 2023-06-09. Review status: criteria provided, single submitter. Criteria: Invitae Variant Classification Sherloc (09022015). Collection method: clinical testing. Allele origin: germline.
Comment: This sequence change creates a premature translational stop signal (p.Cys297*) in the KRIT1 gene. It is expected to result in an absent or disrupted protein product. Loss-of-function variants in KRIT1 are known to be pathogenic (PMID: 10508515, 11222804, 12404106, 24689081). This variant is not present in population databases (gnomAD no frequency). This variant has not been reported in the literature in individuals affected with KRIT1-related conditions. For these reasons, this variant has been classified as Pathogenic.

Literature cited by the submitters: PubMed 10508515; PubMed 11222804; PubMed 12404106; PubMed 24689081.

NM_194454.3(KRIT1):c.891T>A (p.Cys297Ter)

Gene: KRIT1 (KRIT1 ankyrin repeat containing; minus strand). Cytogenetic location: 7q21.2.
Variant type: single nucleotide variant.
Coding change: c.891T>A on transcript NM_194454.3 (MANE Select); coding-DNA position 891, T replaced by A.
Protein change: p.Cys297Ter; replaces cysteine 297 with a stop codon.
Molecular consequence: nonsense. On other transcripts: intron variant (3).
Genome position (GRCh38, 1-based): chr7:92,234,547, A>T on the plus strand (T>A on the coding strand, the complement: KRIT1 is on the minus strand). VCF-style: chr7-92234547-A-T. GRCh37 (hg19) VCF-style: chr7-91863861-A-T.
Other names: c.891T>A, p.Cys297Ter (NM_001350678.1, NM_001350679.1, NM_001350681.1 and 26 more transcripts); c.177T>A, p.Cys59Ter (NM_001350671.1); c.845+261T>A (NM_001350669.1, NM_001013406.2, NM_001350670.1); short protein forms C297*, C59*.
Identifiers: ClinVar variation 2700537 (VCV002700537.3), dbSNP rs2536004935, ClinGen allele CA368157927.